The following is an entry in ClinVar:

ClinVar aggregate classification (germline): Uncertain significance (1 of 4 stars; one submission).

Allele frequency attached by ClinVar (database versions not stated): gnomAD exomes below 0.00001; gnomAD 0.00001; TOPMed 0.00002.

Submission:

Ambry Genetics
Classification: Uncertain significance. Last evaluated: 2023-08-30. Review status: criteria provided, single submitter. Criteria: Ambry Variant Classification Scheme 2023. Collection method: clinical testing. Allele origin: germline.
Comment: The p.V368L variant (also known as c.1102G>C), located in coding exon 12 of the NPAT gene, results from a G to C substitution at nucleotide position 1102. The valine at codon 368 is replaced by leucine, an amino acid with highly similar properties. This amino acid position is conserved. In addition, this alteration is predicted to be tolerated by in silico analysis. Since supporting evidence is limited at this time, the clinical significance of this alteration remains unclear.

NM_002519.3(NPAT):c.1102G>C (p.Val368Leu)

Gene: NPAT (nuclear protein, coactivator of histone transcription; minus strand). Cytogenetic location: 11q22.3.
Variant type: single nucleotide variant.
Coding change: c.1102G>C on transcript NM_002519.3 (MANE Select); coding-DNA position 1102, G replaced by C.
Protein change: p.Val368Leu; replaces valine 368 with leucine.
Molecular consequence: missense variant.
Genome position (GRCh38, 1-based): chr11:108,176,276, C>G on the plus strand (G>C on the coding strand, the complement: NPAT is on the minus strand). VCF-style: chr11-108176276-C-G. GRCh37 (hg19) VCF-style: chr11-108047003-C-G.
Other names: c.1102G>C, p.Val368Leu (NM_001321307.1); short protein forms V368L.
Identifiers: ClinVar variation 2614992 (VCV002614992.2), dbSNP rs1368855792, ClinGen allele CA382516708.